The following is an entry in ClinVar:

NM_022089.4(ATP13A2):c.2978C>T (p.Pro993Leu)

Gene: ATP13A2 (ATPase cation transporting 13A2; minus strand). Cytogenetic location: 1p36.13.
Variant type: single nucleotide variant.
Coding change: c.2978C>T on transcript NM_022089.4 (MANE Select); coding-DNA position 2978, C replaced by T.
Protein change: p.Pro993Leu; replaces proline 993 with leucine.
Molecular consequence: missense variant.
Genome position (GRCh38, 1-based): chr1:16,987,151, G>A on the plus strand (C>T on the coding strand, the complement: ATP13A2 is on the minus strand). VCF-style: chr1-16987151-G-A. GRCh37 (hg19) VCF-style: chr1-17313646-G-A.
Other names: c.2963C>T, p.Pro988Leu (NM_001141973.3); c.2846C>T, p.Pro949Leu (NM_001141974.3); short protein forms P993L, P988L, P949L.
Identifiers: ClinVar variation 644097 (VCV000644097.30), dbSNP rs146559160, ClinGen allele CA636652.

ClinVar aggregate classification (germline): Uncertain significance. Review status: criteria provided, multiple submitters, no conflicts (2 of 4 stars). 2 submissions from 2 submitters: Uncertain significance (2). Last evaluated 2023-02-01.

Conditions:
Kufor-Rakeb syndrome (KRS). Also called: PARKINSON DISEASE 9, AUTOSOMAL RECESSIVE, JUVENILE-ONSET. Identifiers: Orphanet 306674, Orphanet 314632, MedGen C1847640, MONDO:0011706, OMIM 606693.
Autosomal recessive spastic paraplegia type 78. Identifiers: Orphanet 513436, MedGen C5567893, MONDO:0014975, OMIM 617225.

Allele frequency attached by ClinVar (database versions not stated): gnomAD 0.00003; TOPMed 0.00005; ESP Exome Variant Server 0.00008; 1000 Genomes Project 30x 0.00016; 1000 Genomes Project 0.00020.
gnomAD v4.1: 137 of 1,613,104 alleles (0.0085%); highest among the groups gnomAD compares: Non-Finnish European, 0.01%; no homozygotes.

Submissions (2):

CeGaT Center for Human Genetics Tuebingen
Classification: Uncertain significance. Last evaluated: 2023-02-01. Review status: criteria provided, single submitter. Criteria: CeGaT Center For Human Genetics Tuebingen Variant Classification Criteria Version 2. Collection method: clinical testing. Allele origin: germline. Affected: yes. Observed: 1 variant allele.
Comment: ATP13A2: PM2

Labcorp Genetics (formerly Invitae), Labcorp
Classification: Uncertain significance for Kufor-Rakeb syndrome; Autosomal recessive spastic paraplegia type 78. Last evaluated: 2022-05-05. Review status: criteria provided, single submitter. Criteria: Invitae Variant Classification Sherloc (09022015). Collection method: clinical testing. Allele origin: germline.
Comment: This sequence change replaces proline, which is neutral and non-polar, with leucine, which is neutral and non-polar, at codon 993 of the ATP13A2 protein (p.Pro993Leu). This variant is present in population databases (rs146559160, gnomAD 0.01%). This variant has not been reported in the literature in individuals affected with ATP13A2-related conditions. ClinVar contains an entry for this variant (Variation ID: 644097). Algorithms developed to predict the effect of missense changes on protein structure and function are either unavailable or do not agree on the potential impact of this missense change (SIFT: "Tolerated"; PolyPhen-2: "Possibly Damaging"; Align-GVGD: "Class C0"). In summary, the available evidence is currently insufficient to determine the role of this variant in disease. Therefore, it has been classified as a Variant of Uncertain Significance.